The following is an entry in ClinVar:

ClinVar aggregate classification (germline): Uncertain significance. Review status: criteria provided, multiple submitters, no conflicts (2 of 4 stars). 4 submissions from 4 submitters: Uncertain significance (4). Last evaluated 2025-11-03.

Conditions:
Ehlers-Danlos syndrome, classic type, 1 (EDSCL1). Also called: EDS I; Ehlers-Danlos syndrome, type 1; Ehlers-Danlos Syndrome, Classic Type, COL5A1-Related; EHLERS-DANLOS SYNDROME, GRAVIS TYPE; EHLERS-DANLOS SYNDROME, SEVERE CLASSIC TYPE. Identifiers: MedGen C0268335, MONDO:0019567, OMIM 130000.
Osteogenesis imperfecta type I (OI1). Also called: OI, TYPE I; OSTEOGENESIS IMPERFECTA TARDA; OSTEOGENESIS IMPERFECTA WITH BLUE SCLERAE; Osteogenesis imperfecta type 1; Lobstein's Disease; Classic Non-deforming Osteogenesis Imperfecta with Blue Sclerae. Identifiers: Orphanet 216796, Orphanet 666, MedGen C0023931, MONDO:0008146, OMIM 166200. Disease mechanism: loss of function.
Cardiovascular phenotype. Identifiers: MedGen CN230736.

Allele frequency attached by ClinVar (database versions not stated): ExAC 0.00001; gnomAD 0.00001; gnomAD exomes 0.00001.
gnomAD v4.1: 21 of 1,613,988 alleles (0.0013%); highest among the groups gnomAD compares: Non-Finnish European, 0.0018%; no homozygotes.

Submissions (4):

Labcorp Genetics (formerly Invitae), Labcorp
Classification: Uncertain significance for Osteogenesis imperfecta type I; Ehlers-Danlos syndrome, classic type, 1. Last evaluated: 2025-11-03. Review status: criteria provided, single submitter. Criteria: Invitae Variant Classification Sherloc (09022015). Collection method: clinical testing. Allele origin: germline.
Comment: This sequence change replaces valine, which is neutral and non-polar, with isoleucine, which is neutral and non-polar, at codon 681 of the COL1A2 protein (p.Val681Ile). This variant is present in population databases (rs781026808, gnomAD 0.004%). This variant has not been reported in the literature in individuals affected with COL1A2-related conditions. ClinVar contains an entry for this variant (Variation ID: 444723). Invitae Evidence Modeling of protein sequence and biophysical properties (such as structural, functional, and spatial information, amino acid conservation, physicochemical variation, residue mobility, and thermodynamic stability) indicates that this missense variant is not expected to disrupt COL1A2 protein function with a negative predictive value of 95%. In summary, the available evidence is currently insufficient to determine the role of this variant in disease. Therefore, it has been classified as a Variant of Uncertain Significance.

GeneDx
Classification: Uncertain significance. Last evaluated: 2024-08-11. Review status: criteria provided, single submitter. Criteria: GeneDx Variant Classification Process June 2021. Collection method: clinical testing. Allele origin: germline. Affected: yes.
Comment: Has not been previously published as pathogenic or benign to our knowledge; Not observed at significant frequency in large population cohorts (gnomAD); In silico analysis indicates that this missense variant does not alter protein structure/function; Occurs in the triple helical domain at the Y position in the canonical Gly-X-Y repeat; although this variant may have an effect on normal protein folding and function, missense substitution at the Y position is not a common mechanism of disease HGMD)

Ambry Genetics
Classification: Uncertain significance for Cardiovascular phenotype. Last evaluated: 2024-06-07. Review status: criteria provided, single submitter. Criteria: Ambry Variant Classification Scheme 2023. Collection method: clinical testing. Allele origin: germline.
Comment: The p.V681I variant (also known as c.2041G>A), located in coding exon 34 of the COL1A2 gene, results from a G to A substitution at nucleotide position 2041. The valine at codon 681 is replaced by isoleucine, an amino acid with highly similar properties. This amino acid position is poorly conserved in available vertebrate species. In addition, this alteration is predicted to be tolerated by in silico analysis. Based on the available evidence, the clinical significance of this variant remains unclear.

CeGaT Center for Human Genetics Tuebingen
Classification: Uncertain significance. Last evaluated: 2017-06-01. Review status: criteria provided, single submitter. Criteria: CeGaT Center For Human Genetics Tuebingen Variant Classification Criteria Version 2. Collection method: clinical testing. Allele origin: germline. Affected: yes. Observed: 1 variant allele.

NM_000089.4(COL1A2):c.2041G>A (p.Val681Ile)

Gene: COL1A2 (collagen type I alpha 2 chain; plus strand). Cytogenetic location: 7q21.3.
Variant type: single nucleotide variant.
Coding change: c.2041G>A on transcript NM_000089.4 (MANE Select); coding-DNA position 2041, G replaced by A.
Protein change: p.Val681Ile; replaces valine 681 with isoleucine.
Molecular consequence: missense variant.
Genome position (GRCh38, 1-based): chr7:94,419,513, G>A. VCF-style: chr7-94419513-G-A. GRCh37 (hg19) VCF-style: chr7-94048825-G-A.
Other names: c.2041G>A (NM_000089.3); short protein forms V681I.
Identifiers: ClinVar variation 444723 (VCV000444723.46), dbSNP rs781026808, ClinGen allele CA4347287.